The following is an entry in ClinVar:

NM_000548.5(TSC2):c.1455T>C (p.Ile485=)

Gene: TSC2 (TSC complex subunit 2; plus strand). Cytogenetic location: 16p13.3.
Variant type: single nucleotide variant.
Coding change: c.1455T>C on transcript NM_000548.5 (MANE Select); coding-DNA position 1455, T replaced by C.
Protein change: p.Ile485=; no amino-acid change (isoleucine 485 retained).
Molecular consequence: synonymous variant.
Genome position (GRCh38, 1-based): chr16:2,064,283, T>C. VCF-style: chr16-2064283-T-C. GRCh37 (hg19) VCF-style: chr16-2114284-T-C.
Other names: c.1455T>C, p.Ile485= (NM_001077183.3, NM_001114382.3, NM_001363528.2 and 3 more transcripts); c.1344T>C, p.Ile448= (NM_001318827.2); c.1308T>C, p.Ile436= (NM_001318829.2); c.855T>C, p.Ile285= (NM_001318831.2); c.1488T>C, p.Ile496= (NM_001318832.2).
Identifiers: ClinVar variation 514829 (VCV000514829.17), dbSNP rs1239743041, ClinGen allele CA492962851.

ClinVar aggregate classification (germline): Benign/Likely benign. Review status: criteria provided, multiple submitters, no conflicts (2 of 4 stars). 5 submissions from 5 submitters: Benign (2); Likely benign (3). Last evaluated 2025-09-03.

Conditions:
Hereditary cancer-predisposing syndrome. Also called: Neoplastic Syndromes, Hereditary; Tumor predisposition; Hereditary Cancer Syndrome; Hereditary neoplastic syndrome. Identifiers: Orphanet 140162, MedGen C0027672, MeSH D009386, MONDO:0015356.
Tuberous sclerosis 2 (TSC2). Identifiers: Orphanet 805, MedGen C1860707, MONDO:0013199, OMIM 613254.

Allele frequency attached by ClinVar (database versions not stated): gnomAD exomes below 0.00001; gnomAD 0.00001; TOPMed 0.00001.

Submissions (5):

Labcorp Genetics (formerly Invitae), Labcorp
Classification: Likely benign for Tuberous sclerosis 2. Last evaluated: 2025-09-03. Review status: criteria provided, single submitter. Criteria: Invitae Variant Classification Sherloc (09022015). Collection method: clinical testing. Allele origin: germline.

Myriad Genetics, Inc.
Classification: Benign for Tuberous sclerosis 2. Last evaluated: 2025-05-14. Review status: criteria provided, single submitter. Criteria: Myriad Autosomal Dominant, Autosomal Recessive and X-Linked Classification Criteria (2023). Collection method: clinical testing. Allele origin: unknown.
Comment: This variant is considered benign. This variant is a silent/synonymous amino acid change and it is not expected to impact splicing.

Ambry Genetics
Classification: Likely benign for Hereditary cancer-predisposing syndrome. Last evaluated: 2022-02-16. Review status: criteria provided, single submitter. Criteria: Ambry Variant Classification Scheme 2023. Collection method: clinical testing. Allele origin: germline.

Genome-Nilou Lab
Classification: Benign for Tuberous sclerosis 2. Last evaluated: 2021-11-07. Review status: criteria provided, single submitter. Criteria: ACMG Guidelines, 2015. Collection method: clinical testing. Allele origin: germline. Affected: no.

GeneDx
Classification: Likely benign. Last evaluated: 2018-01-22. Review status: criteria provided, single submitter. Criteria: GeneDx Variant Classification (06012015). Collection method: clinical testing. Allele origin: germline. Affected: yes.
Comment: This variant is considered likely benign or benign based on one or more of the following criteria: it is a conservative change, it occurs at a poorly conserved position in the protein, it is predicted to be benign by multiple in silico algorithms, and/or has population frequency not consistent with disease.